The following is an entry in ClinVar:

NM_004614.5(TK2):c.390dup (p.Leu131fs)

Gene: TK2 (thymidine kinase 2; minus strand). Cytogenetic location: 16q21.
Variant type: Duplication.
Coding change: c.390dup on transcript NM_004614.5 (MANE Select); coding-DNA position 390, one base duplicated (G; older notation c.390dupG).
Protein change: p.Leu131fs; shifts the reading frame from leucine 131.
Molecular consequence: frameshift variant. On other transcripts: non-coding transcript variant (1).
Genome position (GRCh38, 1-based): chr16:66,529,053, C duplicated on the plus strand (G on the coding strand, the reverse complement: TK2 is on the minus strand); the first of 2 consecutive C bases (chr16:66,529,053-66,529,054); duplicating either gives the same sequence. VCF-style (leftmost placement, unchanged base first): chr16-66529052-A-AC. GRCh37 (hg19) VCF-style: chr16-66562955-A-AC.
Other names: c.297dup, p.Leu100fs (NM_001172643.1, NM_001271935.1); c.315dup, p.Leu106fs (NM_001172644.2); c.336dup, p.Leu113fs (NM_001172645.2); c.243dup, p.Leu82fs (NM_001271934.2); c.99dup, p.Leu34fs (NM_001272050.2); short protein forms L34fs, L106fs, L113fs, L131fs, L82fs, L100fs.
Identifiers: ClinVar variation 4734446 (VCV004734446.1).

ClinVar aggregate classification (germline): Pathogenic (1 of 4 stars; one submission).

Submission:

Labcorp Genetics (formerly Invitae), Labcorp
Classification: Pathogenic. Last evaluated: 2025-12-30. Review status: criteria provided, single submitter. Criteria: Invitae Variant Classification Sherloc (09022015). Collection method: clinical testing. Allele origin: germline.
Comment: This sequence change creates a premature translational stop signal (p.Leu131Valfs*19) in the TK2 gene. It is expected to result in an absent or disrupted protein product. Loss-of-function variants in TK2 are known to be pathogenic (PMID: 20421844). This variant is not present in population databases (gnomAD no frequency). This variant has not been reported in the literature in individuals affected with TK2-related conditions. For these reasons, this variant has been classified as Pathogenic.

Literature cited by the submitters: PubMed 20421844.